The following is an entry in ClinVar:

ClinVar aggregate classification (germline): Uncertain significance. Review status: criteria provided, multiple submitters, no conflicts (2 of 4 stars). 4 submissions from 4 submitters: Uncertain significance (3). 1 of the submissions does not count toward it. Last evaluated 2025-12-15.

Conditions:
Inborn genetic diseases. Identifiers: MedGen C0950123, MeSH D030342.
Usher syndrome type 1 (USH1). Also called: RETINITIS PIGMENTOSA AND CONGENITAL DEAFNESS. Identifiers: Orphanet 231169, Orphanet 886, MedGen C1568247, MONDO:0010168, OMIM 276900.

Allele frequency attached by ClinVar (database versions not stated): gnomAD exomes 0.00001; gnomAD 0.00002 and 0.00003; TOPMed 0.00002.
gnomAD v4.1: 17 of 1,613,888 alleles (0.0011%); highest among the groups gnomAD compares: Middle Eastern, 0.017%; no homozygotes.

Submissions (4):

Ambry Genetics
Classification: Uncertain significance for Inborn genetic diseases. Last evaluated: 2025-12-15. Review status: criteria provided, single submitter. Criteria: Ambry Variant Classification Scheme 2023. Collection method: clinical testing. Allele origin: germline.

Blueprint Genetics
Classification: Uncertain significance. Last evaluated: 2024-10-03. Review status: criteria provided, single submitter. Criteria: ACMG Guidelines, 2015. Collection method: clinical testing. Allele origin: germline.

Labcorp Genetics (formerly Invitae), Labcorp
Classification: Uncertain significance. Last evaluated: 2022-08-22. Review status: criteria provided, single submitter. Criteria: Invitae Variant Classification Sherloc (09022015). Collection method: clinical testing. Allele origin: germline.
Comment: This sequence change replaces arginine, which is basic and polar, with cysteine, which is neutral and slightly polar, at codon 2488 of the CDH23 protein (p.Arg2488Cys). This variant is present in population databases (no rsID available, gnomAD 0.004%). This variant has not been reported in the literature in individuals affected with CDH23-related conditions. ClinVar contains an entry for this variant (Variation ID: 934540). Algorithms developed to predict the effect of missense changes on protein structure and function are either unavailable or do not agree on the potential impact of this missense change (SIFT: "Deleterious"; PolyPhen-2: "Not Available"; Align-GVGD: "Class C65"). In summary, the available evidence is currently insufficient to determine the role of this variant in disease. Therefore, it has been classified as a Variant of Uncertain Significance.

Natera, Inc.
Classification: Uncertain significance for Usher syndrome type 1. Last evaluated: 2020-02-26. Review status: no assertion criteria provided. Collection method: clinical testing. Allele origin: germline. Not counted in ClinVar's aggregate classification.

NM_022124.6(CDH23):c.7462C>T (p.Arg2488Cys)

Gene: CDH23 (cadherin related 23; plus strand). Cytogenetic location: 10q22.1.
Variant type: single nucleotide variant.
Coding change: c.7462C>T on transcript NM_022124.6 (MANE Select); coding-DNA position 7462, C replaced by T.
Protein change: p.Arg2488Cys; replaces arginine 2488 with cysteine.
Molecular consequence: missense variant.
Genome position (GRCh38, 1-based): chr10:71,800,735, C>T. VCF-style: chr10-71800735-C-T. GRCh37 (hg19) VCF-style: chr10-73560492-C-T.
Other names: c.742C>T, p.Arg248Cys (NM_001171933.1, NM_001171934.1); short protein forms R2488C, R248C.
Identifiers: ClinVar variation 934540 (VCV000934540.6), dbSNP rs909808363, ClinGen allele CA209471167.